The following is an entry in ClinVar:

ClinVar aggregate classification (germline): Uncertain significance (1 of 4 stars; one submission).

Allele frequency attached by ClinVar (database versions not stated): gnomAD exomes 0.00001; TOPMed 0.00001.
gnomAD v4.1: 20 of 1,613,708 alleles (0.0012%); highest among the groups gnomAD compares: African/African-American, 0.0027%; no homozygotes.

Submission:

Labcorp Genetics (formerly Invitae), Labcorp
Classification: Uncertain significance. Last evaluated: 2022-07-06. Review status: criteria provided, single submitter. Criteria: Invitae Variant Classification Sherloc (09022015). Collection method: clinical testing. Allele origin: germline.
Comment: In summary, the available evidence is currently insufficient to determine the role of this variant in disease. Therefore, it has been classified as a Variant of Uncertain Significance. Advanced modeling of protein sequence and biophysical properties (such as structural, functional, and spatial information, amino acid conservation, physicochemical variation, residue mobility, and thermodynamic stability) performed at Invitae indicates that this missense variant is not expected to disrupt COL9A1 protein function. ClinVar contains an entry for this variant (Variation ID: 1014408). This variant has not been reported in the literature in individuals affected with COL9A1-related conditions. This variant is not present in population databases (gnomAD no frequency). This sequence change replaces threonine, which is neutral and polar, with alanine, which is neutral and non-polar, at codon 368 of the COL9A1 protein (p.Thr368Ala).

NM_001851.6(COL9A1):c.1102A>G (p.Thr368Ala)

Gene: COL9A1 (collagen type IX alpha 1 chain; minus strand). Cytogenetic location: 6q13.
Variant type: single nucleotide variant.
Coding change: c.1102A>G on transcript NM_001851.6 (MANE Select); coding-DNA position 1102, A replaced by G.
Protein change: p.Thr368Ala; replaces threonine 368 with alanine.
Molecular consequence: missense variant. On other transcripts: non-coding transcript variant (1).
Genome position (GRCh38, 1-based): chr6:70,271,696, T>C on the plus strand (A>G on the coding strand, the complement: COL9A1 is on the minus strand). VCF-style: chr6-70271696-T-C. GRCh37 (hg19) VCF-style: chr6-70981399-T-C.
Other names: c.373A>G, p.Thr125Ala (NM_001377289.1, NM_001377290.1, NM_078485.4); short protein forms T125A, T368A.
Identifiers: ClinVar variation 1014408 (VCV001014408.8), dbSNP rs1421369706, ClinGen allele CA364682367.
Genomic context (GRCh38, chr6:70,271,696, plus strand): 5'-AGTGCACTGTGGTACTCACAACAGGTCCTACACGGCCAAGCTCTCCAGGGAGTCCTGCTG[T>C]CCCAGGAGGACCCTGAAGTCAACAAATCAAAGCAAATGGTCATTTATGAATATTTTTACA-3'
Protein context (NP_001842.3, residues 358-378): GIPGPPGPPG[Thr368Ala]AGLPGELGRV